The following is an entry in ClinVar:

ClinVar aggregate classification (germline): Uncertain significance. Review status: criteria provided, multiple submitters, no conflicts (2 of 4 stars). 5 submissions from 5 submitters: Uncertain significance (5). Last evaluated 2025-02-17.

Conditions:
Focal segmental glomerulosclerosis 9 (FSGS9). Identifiers: Orphanet 656, MedGen C4015555, MONDO:0014539, OMIM 616220.
Ventriculomegaly-cystic kidney disease. Also called: Ventriculomegaly with cystic kidney disease. Identifiers: Orphanet 443988, MedGen C1857423, MONDO:0009063, OMIM 219730.

Allele frequency attached by ClinVar (database versions not stated): gnomAD 0.00004; gnomAD exomes 0.00004 and 0.00007; ExAC 0.00007; TOPMed 0.00011.

Submissions (5):

Labcorp Genetics (formerly Invitae), Labcorp
Classification: Uncertain significance. Last evaluated: 2025-02-17. Review status: criteria provided, single submitter. Criteria: Invitae Variant Classification Sherloc (09022015). Collection method: clinical testing. Allele origin: germline.
Comment: This sequence change replaces proline, which is neutral and non-polar, with leucine, which is neutral and non-polar, at codon 116 of the CRB2 protein (p.Pro116Leu). This variant is present in population databases (rs542211566, gnomAD 0.01%), including at least one homozygous and/or hemizygous individual. This variant has not been reported in the literature in individuals affected with CRB2-related conditions. ClinVar contains an entry for this variant (Variation ID: 1342075). Invitae Evidence Modeling of protein sequence and biophysical properties (such as structural, functional, and spatial information, amino acid conservation, physicochemical variation, residue mobility, and thermodynamic stability) indicates that this missense variant is expected to disrupt CRB2 protein function with a positive predictive value of 80%. In summary, the available evidence is currently insufficient to determine the role of this variant in disease. Therefore, it has been classified as a Variant of Uncertain Significance.

Blueprint Genetics
Classification: Uncertain significance. Last evaluated: 2024-11-27. Review status: criteria provided, single submitter. Criteria: ACMG Guidelines, 2015. Collection method: clinical testing. Allele origin: germline.

GeneDx
Classification: Uncertain significance. Last evaluated: 2023-09-29. Review status: criteria provided, single submitter. Criteria: GeneDx Variant Classification Process June 2021. Collection method: clinical testing. Allele origin: germline. Affected: yes.
Comment: Identified as a single heterozygous variant in an individual with Leber congenital amaurosis (LCA), but variants in the CRB2 gene do not have a clearly established association with LCA (van den Hurk et al., 2005); In silico analysis supports that this missense variant has a deleterious effect on protein structure/function; This variant is associated with the following publications: (PMID: 15851977)

Breakthrough Genomics
Classification: Uncertain significance. Review status: criteria provided, single submitter. Criteria: ACMG Guidelines, 2015. Collection method: not provided. Allele origin: germline. Inheritance: Autosomal recessive inheritance. Affected: yes.

Juno Genomics, Hangzhou Juno Genomics, Inc
Classification: Uncertain significance for Focal segmental glomerulosclerosis 9; Ventriculomegaly-cystic kidney disease. Review status: criteria provided, single submitter. Criteria: ACMG Guidelines, 2015. Collection method: clinical testing. Allele origin: germline.
Comment: Absent from controls (or at extremely low frequency if recessive) in Genome Aggregation Database.;Multiple lines of computational evidence support a deleterious effect on the gene or gene product.;Located in a mutational hot spot and/or critical and well-established functional domain without benign variation.

NM_173689.7(CRB2):c.347C>T (p.Pro116Leu)

Gene: CRB2 (crumbs cell polarity complex component 2; plus strand). Cytogenetic location: 9q33.3.
Variant type: single nucleotide variant.
Coding change: c.347C>T on transcript NM_173689.7 (MANE Select); coding-DNA position 347, C replaced by T.
Protein change: p.Pro116Leu; replaces proline 116 with leucine.
Molecular consequence: missense variant.
Genome position (GRCh38, 1-based): chr9:123,363,117, C>T. VCF-style: chr9-123363117-C-T. GRCh37 (hg19) VCF-style: chr9-126125396-C-T.
Other names: short protein forms P116L.
Identifiers: ClinVar variation 1342075 (VCV001342075.8), dbSNP rs542211566, ClinGen allele CA5231614.